The following is an entry in ClinVar:

ClinVar aggregate classification (germline): Uncertain significance (1 of 4 stars; one submission).

Conditions:
Epidermolysis bullosa simplex 5B, with muscular dystrophy (EBS5B). Also called: Epidermolysis bullosa simplex with muscular dystrophy; EPIDERMOLYSIS BULLOSA SIMPLEX AND LIMB-GIRDLE MUSCULAR DYSTROPHY. Identifiers: Orphanet 257, MedGen C2931072, MONDO:0009181, OMIM 226670.
Epidermolysis bullosa simplex, Ogna type (EBS5A). Also called: Pidermolysis bullosa simplex 5A, Ogna type; EPIDERMOLYSIS BULLOSA SIMPLEX 5A, OGNA TYPE. Identifiers: Orphanet 79401, MedGen C0432317, MONDO:0007555, OMIM 131950.
Epidermolysis bullosa simplex 5C, with pyloric atresia (EBS5C). Also called: PLEC-Related Epidermolysis Bullosa with Pyloric Atresia; Epidermolysis bullosa simplex with pyloric atresia; PLEC1-Related Epidermolysis Bullosa with Pyloric Atresia. Identifiers: Orphanet 158684, MedGen C2677349, MONDO:0012807, OMIM 612138.
Autosomal recessive limb-girdle muscular dystrophy type 2Q (LGMDR17). Also called: MUSCULAR DYSTROPHY, LIMB-GIRDLE, AUTOSOMAL RECESSIVE 17. Identifiers: Orphanet 254361, MedGen C3150989, MONDO:0013390, OMIM 613723.
Epidermolysis bullosa simplex with nail dystrophy (EBS5D). Identifiers: MedGen C4225309, MONDO:0014661, OMIM 616487.

Allele frequency attached by ClinVar (database versions not stated): gnomAD 0.00002.
gnomAD v4.1: 49 of 1,572,180 alleles (0.0031%); highest among the groups gnomAD compares: Non-Finnish European, 0.0042%; no homozygotes.

Submission:

Labcorp Genetics (formerly Invitae), Labcorp
Classification: Uncertain significance for Autosomal recessive limb-girdle muscular dystrophy type 2Q; Epidermolysis bullosa simplex, Ogna type; Epidermolysis bullosa simplex with nail dystrophy; Epidermolysis bullosa simplex 5C, with pyloric atresia; Epidermolysis bullosa simplex 5B, with muscular dystrophy. Last evaluated: 2025-06-22. Review status: criteria provided, single submitter. Criteria: Invitae Variant Classification Sherloc (09022015). Collection method: clinical testing. Allele origin: germline.
Comment: This sequence change replaces valine, which is neutral and non-polar, with alanine, which is neutral and non-polar, at codon 1584 of the PLEC protein (p.Val1584Ala). This variant is present in population databases (rs781993411, gnomAD 0.004%). This variant has not been reported in the literature in individuals affected with PLEC-related conditions. ClinVar contains an entry for this variant (Variation ID: 2171410). Invitae Evidence Modeling of protein sequence and biophysical properties (such as structural, functional, and spatial information, amino acid conservation, physicochemical variation, residue mobility, and thermodynamic stability) indicates that this missense variant is not expected to disrupt PLEC protein function with a negative predictive value of 80%. In summary, the available evidence is currently insufficient to determine the role of this variant in disease. Therefore, it has been classified as a Variant of Uncertain Significance.

NM_201384.3(PLEC):c.4670T>C (p.Val1557Ala)

Gene: PLEC (plectin; minus strand). Cytogenetic location: 8q24.3.
Variant type: single nucleotide variant.
Coding change: c.4670T>C on transcript NM_201384.3 (MANE Select); coding-DNA position 4670, T replaced by C.
Protein change: p.Val1557Ala; replaces valine 1557 with alanine.
Molecular consequence: missense variant.
Genome position (GRCh38, 1-based): chr8:143,925,259, A>G on the plus strand (T>C on the coding strand, the complement: PLEC is on the minus strand). VCF-style: chr8-143925259-A-G. GRCh37 (hg19) VCF-style: chr8-144999427-A-G.
Other names: c.4751T>C, p.Val1584Ala (NM_000445.5); c.4628T>C, p.Val1543Ala (NM_201378.4); c.4604T>C, p.Val1535Ala (NM_201379.3); c.5081T>C, p.Val1694Ala (NM_201380.4); c.4574T>C, p.Val1525Ala (NM_201381.3); c.4670T>C, p.Val1557Ala (NM_201382.4); c.4682T>C, p.Val1561Ala (NM_201383.3); short protein forms V1543A, V1557A, V1525A, V1535A, V1584A, V1561A, V1694A.
Identifiers: ClinVar variation 2171410 (VCV002171410.4), dbSNP rs781993411, ClinGen allele CA4926583.
Genomic context (GRCh38, chr8:143,925,259, plus strand): 5'-TCCGCCTCTGCACTGCGCTGCGCCGTCTCCAGGGCCACCTGTACCTGCCGCGCTCGCTCC[A>G]CCTCGGCCTGCCGCAGGCGCCGCTCCGCCTCCTCCGCCTGCAGCCGCAGCTCCTCCAGGG-3'
Protein context (NP_958786.1, residues 1547-1567): EAERRLRQAE[Val1557Ala]ERARQVQVAL